The following is an entry in ClinVar:

NM_001848.3(COL6A1):c.130_133dup (p.Ser45fs)

Gene: COL6A1 (collagen type VI alpha 1 chain; plus strand). Cytogenetic location: 21q22.3.
Variant type: Duplication.
Coding change: c.130_133dup on transcript NM_001848.3 (MANE Select); coding-DNA positions 130 to 133, 4 bases duplicated (ACCT; older notation c.130_133dupACCT).
Protein change: p.Ser45fs; shifts the reading frame from serine 45.
Molecular consequence: frameshift variant.
Genome position (GRCh38, 1-based): chr21:45,982,666-45,982,669, ACCT duplicated. VCF-style (leftmost placement, unchanged base first): chr21-45982665-C-CACCT. GRCh37 (hg19) VCF-style: chr21-47402579-C-CACCT.
Other names: short protein forms S45fs.
Identifiers: ClinVar variation 957739 (VCV000957739.3), dbSNP rs2077714727, ClinGen allele CA1139666926.
Genomic context (GRCh38, chr21:45,982,665, plus strand): 5'-GAAGGCCCCTCTCCTCCATCTTCGGCCAGACTGCCCCGTGGACCTGTTCTTTGTGCTGGA[C>CACCT]ACCTCTGAGAGCGTGGCCCTGAGGCTGAAGCCCTACGGGGCCCTCGTGGACAAAGTCAAG-3'

ClinVar aggregate classification (germline): Pathogenic (1 of 4 stars; one submission).

Conditions:
Bethlem myopathy 1A. Also called: Bethlem Muscular Dystrophy; Bethlem myopathy 1; MYOPATHY, BENIGN CONGENITAL, WITH CONTRACTURES. Identifiers: Orphanet 610, MedGen CN029274, MONDO:0024530, OMIM 158810.

Submission:

Labcorp Genetics (formerly Invitae), Labcorp
Classification: Pathogenic for Bethlem myopathy 1A. Last evaluated: 2019-07-30. Review status: criteria provided, single submitter. Criteria: Invitae Variant Classification Sherloc (09022015). Collection method: clinical testing. Allele origin: germline.
Comment: This sequence change creates a premature translational stop signal (p.Ser45Tyrfs*3) in the COL6A1 gene. It is expected to result in an absent or disrupted protein product. This variant is not present in population databases (ExAC no frequency). This variant has not been reported in the literature in individuals with COL6A1-related conditions. Loss-of-function variants in COL6A1 are known to be pathogenic (PMID: 19884007, 20976770). For these reasons, this variant has been classified as Pathogenic.

Literature cited by the submitters: PubMed 19884007; PubMed 20976770.